The following is an entry in ClinVar:

NM_000426.4(LAMA2):c.8805del (p.Phe2935fs)

Gene: LAMA2 (laminin subunit alpha 2; plus strand). Cytogenetic location: 6q22.33.
Variant type: Deletion.
Coding change: c.8805del on transcript NM_000426.4 (MANE Select); coding-DNA position 8805, one base deleted (T; older notation c.8805delT).
Protein change: p.Phe2935fs; shifts the reading frame from phenylalanine 2935.
Molecular consequence: frameshift variant.
Genome position (GRCh38, 1-based): chr6:129,507,590, T deleted; the last of 4 consecutive T bases (chr6:129,507,587-129,507,590); deleting any one gives the same sequence. VCF-style (leftmost placement, unchanged base first): chr6-129507586-GT-G. GRCh37 (hg19) VCF-style: chr6-129828731-GT-G.
Other names: c.8793del, p.Phe2931fs (NM_001079823.2); short protein forms F2931fs, F2935fs.
Identifiers: ClinVar variation 1323160 (VCV001323160.5), dbSNP rs767797497, ClinGen allele CA3994922.

ClinVar aggregate classification (germline): Pathogenic. Review status: criteria provided, multiple submitters, no conflicts (2 of 4 stars). 2 submissions from 2 submitters: Pathogenic (2). Last evaluated 2025-04-06.

Conditions:
LAMA2-related muscular dystrophy (LAMA2-RD). Also called: Laminin alpha 2-related dystrophy. Identifiers: MedGen C5679788, MONDO:0100228.

Submissions (2):

Myriad Genetics, Inc.
Classification: Pathogenic for LAMA2-related muscular dystrophy. Last evaluated: 2025-04-06. Review status: criteria provided, single submitter. Criteria: Myriad Autosomal Dominant, Autosomal Recessive and X-Linked Classification Criteria (2023). Collection method: clinical testing. Allele origin: unknown.
Comment: NM_000426.3(LAMA2):c.8805delT(F2935Lfs*30) is expected to be pathogenic in the context of muscular dystrophy, LAMA2-related. This variant is predicted to lead to an abnormal or absent protein product due to the creation of a premature termination codon in LAMA2, a gene where loss-of-function variants are known to be pathogenic. Please note: this variant was assessed in the context of healthy population screening.

Revvity Omics, Revvity
Classification: Pathogenic. Last evaluated: 2019-07-15. Review status: criteria provided, single submitter. Criteria: ACMG Guidelines, 2015. Collection method: clinical testing. Allele origin: germline.